The following is an entry in ClinVar:

ClinVar aggregate classification (germline): Uncertain significance (1 of 4 stars; one submission).

Submission:

CeGaT Center for Human Genetics Tuebingen
Classification: Uncertain significance. Last evaluated: 2024-08-01. Review status: criteria provided, single submitter. Criteria: CeGaT Center For Human Genetics Tuebingen Variant Classification Criteria Version 2. Collection method: clinical testing. Allele origin: germline. Affected: yes. Observed: 1 variant allele.
Comment: TSC2: PM2, PP3

NM_000548.5(TSC2):c.849-7C>G

Gene: TSC2 (TSC complex subunit 2; plus strand). Cytogenetic location: 16p13.3.
Variant type: single nucleotide variant.
Coding change: c.849-7C>G on transcript NM_000548.5 (MANE Select); 7 bases into the intron before coding-DNA position 849, C replaced by G.
Molecular consequence: intron variant.
Genome position (GRCh38, 1-based): chr16:2,058,740, C>G. VCF-style: chr16-2058740-C-G. GRCh37 (hg19) VCF-style: chr16-2108741-C-G.
Other names: c.-583-7C>G (NM_001406697.1, NM_001406696.1, NM_001406693.1 and 4 more transcripts); c.-759-7C>G (NM_001406698.1); c.849-7C>G (NM_001114382.3, NM_001406663.1, NM_001406664.1 and 6 more transcripts); c.-464-7C>G (NM_001406694.1, NM_001406695.1); c.837-7C>G (NM_001406671.1, NM_001406673.1); c.387-7C>G (NM_001406681.1); c.738-7C>G (NM_001406670.1, NM_001318827.2, NM_001406678.1); c.249-7C>G (NM_001406682.1, NM_001406680.1, NM_001406683.1 and 6 more transcripts); and 4 more.
Identifiers: ClinVar variation 3257370 (VCV003257370.17).